The following is an entry in ClinVar:

NM_014363.6(SACS):c.11109del (p.Cys3704fs)

Gene: SACS (sacsin molecular chaperone; minus strand). Cytogenetic location: 13q12.12.
Variant type: Deletion.
Coding change: c.11109del on transcript NM_014363.6 (MANE Select); coding-DNA position 11109, one base deleted (C; older notation c.11109delC).
Protein change: p.Cys3704fs; shifts the reading frame from cysteine 3704.
Molecular consequence: frameshift variant.
Genome position (GRCh38, 1-based): chr13:23,332,767, G deleted on the plus strand (C on the coding strand, the reverse complement: SACS is on the minus strand); the first of 2 consecutive G bases (chr13:23,332,767-23,332,768); deleting either gives the same sequence. VCF-style (leftmost placement, unchanged base first): chr13-23332766-AG-A. GRCh37 (hg19) VCF-style: chr13-23906905-AG-A.
Other names: c.10668del, p.Cys3557fs (NM_001278055.2); short protein forms C3557fs, C3704fs.
Identifiers: ClinVar variation 1069976 (VCV001069976.10), dbSNP rs2137569412, ClinGen allele CA2499221975.

ClinVar aggregate classification (germline): Pathogenic/Likely pathogenic. Review status: criteria provided, multiple submitters, no conflicts (2 of 4 stars). 2 submissions from 2 submitters: Pathogenic (1); Likely pathogenic (1). Last evaluated 2023-05-29.

Conditions:
Charlevoix-Saguenay spastic ataxia (SACS). Also called: SPASTIC ATAXIA 6, AUTOSOMAL RECESSIVE; Spastic ataxia of Charlevoix-Saguenay; AUTOSOMAL RECESSIVE SPASTIC ATAXIA OF CHARLEVOIX-SAGUENAY. Identifiers: Orphanet 98, MedGen C1849140, MONDO:0010041, OMIM 270550.
Spastic paraplegia. Identifiers: MedGen C0037772, HP:0001258.

Submissions (2):

Baylor Genetics
Classification: Likely pathogenic for Charlevoix-Saguenay spastic ataxia. Last evaluated: 2023-05-29. Review status: criteria provided, single submitter. Criteria: ACMG Guidelines, 2015. Collection method: clinical testing. Allele origin: unknown.

Labcorp Genetics (formerly Invitae), Labcorp
Classification: Pathogenic for Spastic paraplegia. Last evaluated: 2020-10-30. Review status: criteria provided, single submitter. Criteria: Invitae Variant Classification Sherloc (09022015). Collection method: clinical testing. Allele origin: germline.
Comment: This sequence change creates a premature translational stop signal (p.Cys3704Alafs*11) in the SACS gene. While this is not anticipated to result in nonsense mediated decay, it is expected to disrupt the last 876 amino acid(s) of the SACS protein. This variant is not present in population databases (ExAC no frequency). This variant has not been reported in the literature in individuals with SACS-related conditions. This variant disrupts the C-terminus of the SACS protein. Other variant(s) that disrupt this region (p.Tyr4538*) have been determined to be pathogenic (Invitae). This suggests that variants that disrupt this region of the protein are likely to be causative of disease. For these reasons, this variant has been classified as Pathogenic.